The following is an entry in ClinVar:

NM_014712.3(SETD1A):c.3635del (p.Leu1212fs)

Gene: SETD1A (SET domain containing 1A, histone lysine methyltransferase; plus strand). Cytogenetic location: 16p11.2.
Variant type: Deletion.
Coding change: c.3635del on transcript NM_014712.3 (MANE Select); coding-DNA position 3635, one base deleted (T; older notation c.3635delT).
Protein change: p.Leu1212fs; shifts the reading frame from leucine 1212.
Molecular consequence: frameshift variant.
Genome position (GRCh38, 1-based): chr16:30,979,421, T deleted. VCF-style (leftmost placement, unchanged base first): chr16-30979420-CT-C. GRCh37 (hg19) VCF-style: chr16-30990741-CT-C.
Other names: short protein forms L1212fs.
Identifiers: ClinVar variation 4864339 (VCV004864339.1).
Genomic context (GRCh38, chr16:30,979,420, plus strand): 5'-CCCGGCCCAGCCTCCCGCAAGGCTCCCCGGGGCGTGGAGCGGACCATCCGCAACCTGCCC[CT>C]GGACCACGCATCTCTGGTCAAGAGTTGGCCCGAGGAGGTGTCCCGAGGAGGCCGGAGCCG-3'

ClinVar aggregate classification (germline): Pathogenic (1 of 4 stars; one submission).

Conditions:
Inborn genetic diseases. Identifiers: MedGen C0950123, MeSH D030342.

Submission:

Ambry Genetics
Classification: Pathogenic for Inborn genetic diseases. Last evaluated: 2026-06-03. Review status: criteria provided, single submitter. Criteria: Ambry Variant Classification Scheme 2023. Collection method: clinical testing. Allele origin: germline.
Comment: The c.3635delT (p.L1212Rfs*50) alteration, located in exon 14 (coding exon 13) of the SETD1A gene, consists of a deletion of one nucleotide at position 3635, causing a translational frameshift with a predicted alternate stop codon after 50 amino acids. This variant is expected to result in loss of function by premature protein truncation or nonsense-mediated mRNA decay. This variant was not reported in population-based cohorts in the Genome Aggregation Database (gnomAD). Based on the available evidence, this alteration is classified as pathogenic.